The following is an entry in ClinVar:

NM_002474.3(MYH11):c.744C>T (p.Ile248=)

Gene: MYH11 (myosin heavy chain 11; minus strand). Cytogenetic location: 16p13.11.
Variant type: single nucleotide variant.
Coding change: c.744C>T on transcript NM_002474.3 (MANE Select); coding-DNA position 744, C replaced by T.
Protein change: p.Ile248=; no amino-acid change (isoleucine 248 retained).
Molecular consequence: synonymous variant.
Genome position (GRCh38, 1-based): chr16:15,778,826, G>A on the plus strand (C>T on the coding strand, the complement: MYH11 is on the minus strand). VCF-style: chr16-15778826-G-A. GRCh37 (hg19) VCF-style: chr16-15872683-G-A.
Other names: c.765C>T, p.Ile255= (NM_001040113.2, NM_001040114.2); c.744C>T, p.Ile248= (NM_022844.3).
Identifiers: ClinVar variation 3074685 (VCV003074685.1), dbSNP rs2506578722, ClinGen allele CA493777277.

ClinVar aggregate classification (germline): Likely benign (1 of 4 stars; one submission).

Conditions:
Familial thoracic aortic aneurysm and aortic dissection (TAAD). Also called: Thoracic aortic aneurysms and dissections. Identifiers: Orphanet 91387, MedGen C4707243, MONDO:0019625.

Submission:

All of Us Research Program, National Institutes of Health
Classification: Likely benign for Familial thoracic aortic aneurysm and aortic dissection. Last evaluated: 2023-11-20. Review status: criteria provided, single submitter. Criteria: ACMG Guidelines, 2015. Collection method: clinical testing. Allele origin: germline. Inheritance: Autosomal dominant inheritance. Observed: 1 variant allele, 1 heterozygote.
Comment: This study involves interpretation of variants in research participants for the purpose of population health screening. Participant phenotype was not available at the time of variant classification. Additional details can be found in publication PMID: 35346344, PMCID: PMC8962531